The following is an entry in ClinVar:

ClinVar aggregate classification (germline): Pathogenic (1 of 4 stars; one submission).

Conditions:
Glycogen storage disease, type V (GSD5). Also called: MCARDLE DISEASE; MUSCLE GLYCOGEN PHOSPHORYLASE DEFICIENCY; MYOPHOSPHORYLASE DEFICIENCY; PYGM DEFICIENCY; McArdle type glycogen storage disease. Identifiers: Orphanet 368, MedGen C0017924, MONDO:0009293, OMIM 232600.

Submission:

Myriad Genetics, Inc.
Classification: Pathogenic for Glycogen storage disease, type V. Last evaluated: 2023-09-27. Review status: criteria provided, single submitter. Criteria: Myriad Autosomal Dominant, Autosomal Recessive and X-Linked Classification Criteria (2023). Collection method: clinical testing. Allele origin: unknown.
Comment: NM_005609.2(PYGM):c.1243dupG(V415Gfs*60) is expected to be pathogenic in the context of glycogen storage disease, PYGM-related. This variant is predicted to lead to an abnormal or absent protein product due to the creation of a premature termination codon in PYGM, a gene where loss-of-function variants are known to be pathogenic. Please note: this variant was assessed in the context of healthy population screening.

NM_005609.4(PYGM):c.1243dup (p.Val415fs)

Gene: PYGM (glycogen phosphorylase, muscle associated; minus strand). Cytogenetic location: 11q13.1.
Variant type: Duplication.
Coding change: c.1243dup on transcript NM_005609.4 (MANE Select); coding-DNA position 1243, one base duplicated (G; older notation c.1243dupG).
Protein change: p.Val415fs; shifts the reading frame from valine 415.
Molecular consequence: frameshift variant.
Genome position (GRCh38, 1-based): chr11:64,753,679, C duplicated on the plus strand (G on the coding strand, the reverse complement: PYGM is on the minus strand); the first of 3 consecutive C bases (chr11:64,753,679-64,753,681); duplicating any one gives the same sequence. VCF-style (leftmost placement, unchanged base first): chr11-64753678-A-AC. GRCh37 (hg19) VCF-style: chr11-64521150-A-AC.
Other names: c.979dup, p.Val327fs (NM_001164716.1); short protein forms V327fs, V415fs.
Identifiers: ClinVar variation 5011790 (VCV005011790.1).